The following is an entry in ClinVar:

ClinVar aggregate classification (germline): Likely benign (1 of 4 stars; one submission).

Submission:

CeGaT Center for Human Genetics Tuebingen
Classification: Likely benign. Last evaluated: 2024-03-01. Review status: criteria provided, single submitter. Criteria: CeGaT Center For Human Genetics Tuebingen Variant Classification Criteria Version 2. Collection method: clinical testing. Allele origin: germline. Affected: yes. Observed: 1 variant allele.
Comment: HYDIN: PM2:Supporting, BP4, BP7

NM_001270974.2(HYDIN):c.7446G>T (p.Leu2482=)

Gene: HYDIN (HYDIN axonemal central pair apparatus protein; minus strand). Cytogenetic location: 16q22.2.
Variant type: single nucleotide variant.
Coding change: c.7446G>T on transcript NM_001270974.2 (MANE Select); coding-DNA position 7446, G replaced by T.
Protein change: p.Leu2482=; no amino-acid change (leucine 2482 retained).
Molecular consequence: synonymous variant.
Genome position (GRCh38, 1-based): chr16:70,920,930, C>A on the plus strand (G>T on the coding strand, the complement: HYDIN is on the minus strand). VCF-style: chr16-70920930-C-A. GRCh37 (hg19) VCF-style: chr16-70954833-C-A.
Identifiers: ClinVar variation 3234495 (VCV003234495.20), dbSNP rs2507040898, ClinGen allele CA496405941.